The following is an entry in ClinVar:

ClinVar aggregate classification (germline): Likely benign. Review status: criteria provided, single submitter (1 of 4 stars). 2 submissions from 2 submitters: Likely benign (1). 1 of the submissions does not count toward it. Last evaluated 2025-11-25.

Conditions:
ARID1A-related disorder. Also called: ARID1A-related condition.

gnomAD v4.1: 32 of 1,613,988 alleles (0.002%); highest among the groups gnomAD compares: Non-Finnish European, 0.0026%; no homozygotes.

Submissions (2):

Labcorp Genetics (formerly Invitae), Labcorp
Classification: Likely benign. Last evaluated: 2025-11-25. Review status: criteria provided, single submitter. Criteria: Invitae Variant Classification Sherloc (09022015). Collection method: clinical testing. Allele origin: germline.

PreventionGenetics, part of Exact Sciences
Classification: Likely benign for ARID1A-related condition. Last evaluated: 2020-01-23. Review status: no assertion criteria provided. Collection method: clinical testing. Allele origin: germline. Not counted in ClinVar's aggregate classification.
Comment: This variant is classified as likely benign based on ACMG/AMP sequence variant interpretation guidelines (Richards et al. 2015 PMID: 25741868, with internal and published modifications).

NM_006015.6(ARID1A):c.5337G>A (p.Glu1779=)

Gene: ARID1A (AT-rich interaction domain 1A; plus strand). Cytogenetic location: 1p36.11.
Variant type: single nucleotide variant.
Coding change: c.5337G>A on transcript NM_006015.6 (MANE Select); coding-DNA position 5337, G replaced by A.
Protein change: p.Glu1779=; no amino-acid change (glutamic acid 1779 retained).
Molecular consequence: synonymous variant.
Genome position (GRCh38, 1-based): chr1:26,779,235, G>A. VCF-style: chr1-26779235-G-A. GRCh37 (hg19) VCF-style: chr1-27105726-G-A.
Other names: c.4686G>A, p.Glu1562= (NM_139135.4).
Identifiers: ClinVar variation 3348145 (VCV003348145.2).